The following is an entry in ClinVar:

NM_001205293.3(CACNA1E):c.745C>T (p.Arg249Ter)

Gene: CACNA1E (calcium voltage-gated channel subunit alpha1 E; plus strand). Cytogenetic location: 1q25.3.
Variant type: single nucleotide variant.
Coding change: c.745C>T on transcript NM_001205293.3 (MANE Select); coding-DNA position 745, C replaced by T.
Protein change: p.Arg249Ter; replaces arginine 249 with a stop codon.
Molecular consequence: nonsense.
Genome position (GRCh38, 1-based): chr1:181,579,200, C>T. VCF-style: chr1-181579200-C-T. GRCh37 (hg19) VCF-style: chr1-181548336-C-T.
Other names: c.745C>T, p.Arg249Ter (NM_000721.4, NM_001205294.2); short protein forms R249*.
Identifiers: ClinVar variation 4537913 (VCV004537913.1).
Genomic context (GRCh38, chr1:181,579,200, plus strand): 5'-TTCTTTGCCATCCTGATGTTTGCTATCATTGGTTTGGAGTTCTACAGTGGCAAGTTACAT[C>T]GAGCATGCTTCATGAACAATTCAGGTAGGGTCGTTCTTTTCTGTCTTCTCCTTTTCCCTT-3'

ClinVar aggregate classification (germline): Uncertain significance (1 of 4 stars; one submission).

Submission:

GeneDx
Classification: Uncertain significance. Last evaluated: 2025-06-15. Review status: criteria provided, single submitter. Criteria: GeneDx Variant Classification Process June 2021. Collection method: clinical testing. Allele origin: germline. Affected: yes.
Comment: Not observed at significant frequency in large population cohorts (gnomAD); Nonsense variant predicted to result in protein truncation or nonsense mediated decay in a gene or region of a gene for which loss of function is not a well-established mechanism of disease; Has not been previously published as pathogenic or benign to our knowledge